The following is an entry in ClinVar:

NM_002796.3(PSMB4):c.14T>G (p.Leu5Trp)

Gene: PSMB4 (proteasome 20S subunit beta 4; plus strand). Cytogenetic location: 1q21.3.
Variant type: single nucleotide variant.
Coding change: c.14T>G on transcript NM_002796.3 (MANE Select); coding-DNA position 14, T replaced by G.
Protein change: p.Leu5Trp; replaces leucine 5 with tryptophan.
Molecular consequence: missense variant.
Genome position (GRCh38, 1-based): chr1:151,399,601, T>G. VCF-style: chr1-151399601-T-G. GRCh37 (hg19) VCF-style: chr1-151372077-T-G.
Other names: c.14T>G (NM_002796.2); short protein forms L5W.
Identifiers: ClinVar variation 2881357 (VCV002881357.4), dbSNP rs916235342, ClinGen allele CA341918909.

ClinVar aggregate classification (germline): Uncertain significance. Review status: criteria provided, multiple submitters, no conflicts (2 of 4 stars). 2 submissions from 2 submitters: Uncertain significance (2). Last evaluated 2025-03-01.

Allele frequency attached by ClinVar (database versions not stated): gnomAD exomes below 0.00001; TOPMed below 0.00001; gnomAD 0.00001.

Submissions (2):

Labcorp Genetics (formerly Invitae), Labcorp
Classification: Uncertain significance. Last evaluated: 2025-03-01. Review status: criteria provided, single submitter. Criteria: Invitae Variant Classification Sherloc (09022015). Collection method: clinical testing. Allele origin: germline.
Comment: This sequence change replaces leucine, which is neutral and non-polar, with tryptophan, which is neutral and slightly polar, at codon 5 of the PSMB4 protein (p.Leu5Trp). This variant is not present in population databases (gnomAD no frequency). This variant has not been reported in the literature in individuals affected with PSMB4-related conditions. ClinVar contains an entry for this variant (Variation ID: 2881357). An algorithm developed to predict the effect of missense changes on protein structure and function outputs the following: PolyPhen-2: "Benign". The tryptophan amino acid residue is found in multiple mammalian species, which suggests that this missense change does not adversely affect protein function. In summary, the available evidence is currently insufficient to determine the role of this variant in disease. Therefore, it has been classified as a Variant of Uncertain Significance.

Ambry Genetics
Classification: Uncertain significance. Last evaluated: 2024-01-30. Review status: criteria provided, single submitter. Criteria: Ambry Variant Classification Scheme 2023. Collection method: clinical testing. Allele origin: germline.